The following is an entry in ClinVar:

ClinVar aggregate classification (germline): Conflicting classifications of pathogenicity. Review status: criteria provided, conflicting classifications (1 of 4 stars). 2 submissions from 2 submitters: Uncertain significance (1); Likely benign (1). Last evaluated 2024-02-04.

Conditions:
Hereditary cancer-predisposing syndrome. Also called: Tumor predisposition; Neoplastic Syndromes, Hereditary; Hereditary Cancer Syndrome; Hereditary neoplastic syndrome. Identifiers: Orphanet 140162, MedGen C0027672, MeSH D009386, MONDO:0015356.
Tumor predisposition syndrome 3 (TPDS3). Also called: Melanoma, cutaneous malignant, susceptibility to, 10; Glioma susceptibility 9; LONG TELOMERE SYNDROME, POT1-RELATED; POT1 Tumor Predisposition. Identifiers: Orphanet 618, MedGen C4014476, MONDO:0014368, OMIM 615848.

Allele frequency attached by ClinVar (database versions not stated): gnomAD exomes below 0.00001 and 0.00001.
gnomAD v4.1: 3 of 1,599,336 alleles (0.00019%); highest among the groups gnomAD compares: East Asian, 0.0045%; no homozygotes.

Submissions (2):

Ambry Genetics
Classification: Likely benign for Hereditary cancer-predisposing syndrome. Last evaluated: 2024-02-04. Review status: criteria provided, single submitter. Criteria: Ambry Variant Classification Scheme 2023. Collection method: clinical testing. Allele origin: germline.

Labcorp Genetics (formerly Invitae), Labcorp
Classification: Uncertain significance for Tumor predisposition syndrome 3. Last evaluated: 2021-11-23. Review status: criteria provided, single submitter. Criteria: Invitae Variant Classification Sherloc (09022015). Collection method: clinical testing. Allele origin: germline.
Comment: This sequence change affects codon 597 of the POT1 mRNA. It is a 'silent' change, meaning that it does not change the encoded amino acid sequence of the POT1 protein. It affects a nucleotide within the consensus splice site. This variant is present in population databases (no rsID available, gnomAD 0.01%). This variant has not been reported in the literature in individuals affected with POT1-related conditions. Algorithms developed to predict the effect of sequence changes on RNA splicing suggest that this variant is not likely to affect RNA splicing. In summary, the available evidence is currently insufficient to determine the role of this variant in disease. Therefore, it has been classified as a Variant of Uncertain Significance.

NM_015450.3(POT1):c.1791T>C (p.Ile597=)

Gene: POT1 (protection of telomeres 1; minus strand). Cytogenetic location: 7q31.33.
Variant type: single nucleotide variant.
Coding change: c.1791T>C on transcript NM_015450.3 (MANE Select); coding-DNA position 1791, T replaced by C.
Protein change: p.Ile597=; no amino-acid change (isoleucine 597 retained).
Molecular consequence: synonymous variant. On other transcripts: non-coding transcript variant (3).
Genome position (GRCh38, 1-based): chr7:124,825,253, A>G on the plus strand (T>C on the coding strand, the complement: POT1 is on the minus strand). VCF-style: chr7-124825253-A-G. GRCh37 (hg19) VCF-style: chr7-124465307-A-G.
Other names: c.1398T>C, p.Ile466= (NM_001042594.2); c.1791T>C (NM_015450.2).
Identifiers: ClinVar variation 1408396 (VCV001408396.7), dbSNP rs1462868950, ClinGen allele CA457469215.